The following is an entry in ClinVar:

ClinVar aggregate classification (germline): Uncertain significance (1 of 4 stars; one submission).

Submission:

GeneDx
Classification: Uncertain significance. Last evaluated: 2025-03-25. Review status: criteria provided, single submitter. Criteria: GeneDx Variant Classification Process June 2021. Collection method: clinical testing. Allele origin: germline. Affected: yes.
Comment: Not observed at significant frequency in large population cohorts (gnomAD); In silico analysis indicates that this missense variant does not alter protein structure/function; Has not been previously published as pathogenic or benign to our knowledge

NM_001170629.2(CHD8):c.7462T>G (p.Ser2488Ala)

Gene: CHD8 (chromodomain helicase DNA binding protein 8; minus strand). Cytogenetic location: 14q11.2.
Variant type: single nucleotide variant.
Coding change: c.7462T>G on transcript NM_001170629.2 (MANE Select); coding-DNA position 7462, T replaced by G.
Protein change: p.Ser2488Ala; replaces serine 2488 with alanine.
Molecular consequence: missense variant.
Genome position (GRCh38, 1-based): chr14:21,385,897, A>C on the plus strand (T>G on the coding strand, the complement: CHD8 is on the minus strand). VCF-style: chr14-21385897-A-C. GRCh37 (hg19) VCF-style: chr14-21854056-A-C.
Other names: c.6625T>G, p.Ser2209Ala (NM_020920.4); short protein forms S2209A, S2488A.
Identifiers: ClinVar variation 4087835 (VCV004087835.1).